The following is an entry in ClinVar:

ClinVar aggregate classification (germline): Pathogenic (1 of 4 stars; one submission).

Conditions:
Congenital myasthenic syndrome 4A. Also called: MYASTHENIC SYNDROME, CONGENITAL, 4A, SLOW-CHANNEL, AUTOSOMAL RECESSIVE; Myasthenic syndrome, congenital, 4a, slow-channel; CONGENITAL MYASTHENIC SYNDROME TYPE Ia1. Identifiers: Orphanet 590, MedGen C4225413, MONDO:0011600, OMIM 605809.

Submission:

Labcorp Genetics (formerly Invitae), Labcorp
Classification: Pathogenic for Congenital myasthenic syndrome 4A. Last evaluated: 2024-09-03. Review status: criteria provided, single submitter. Criteria: Invitae Variant Classification Sherloc (09022015). Collection method: clinical testing. Allele origin: germline.
Comment: This sequence change creates a premature translational stop signal (p.Leu354Profs*40) in the CHRNE gene. It is expected to result in an absent or disrupted protein product. Loss-of-function variants in CHRNE are known to be pathogenic (PMID: 22678886). This variant is not present in population databases (gnomAD no frequency). This variant has not been reported in the literature in individuals affected with CHRNE-related conditions. For these reasons, this variant has been classified as Pathogenic.

Literature cited by the submitters: PubMed 22678886.

NM_000080.4(CHRNE):c.1061_1068del (p.Leu354fs)

Genes: CHRNE (cholinergic receptor nicotinic epsilon subunit; minus strand), LOC130060041 (ATAC-STARR-seq lymphoblastoid silent region 8050; plus strand). Cytogenetic location: 17p13.2.
Variant type: Deletion.
Coding change: c.1061_1068del on transcript NM_000080.4 (MANE Select); coding-DNA positions 1061 to 1068, 8 bases deleted (TGGGCTCC; older notation c.1061_1068delTGGGCTCC).
Protein change: p.Leu354fs; shifts the reading frame from leucine 354.
Molecular consequence: frameshift variant.
Genome position (GRCh38, 1-based): chr17:4,899,349-4,899,356, GGAGCCCA deleted on the plus strand (TGGGCTCC on the coding strand, the reverse complement: CHRNE is on the minus strand); deleting any 8 consecutive bases within chr17:4,899,349-4,899,360 gives the same sequence; the c. name uses the placement nearest the transcript's 3' end. VCF-style (leftmost placement, unchanged base first): chr17-4899348-GGGAGCCCA-G. GRCh37 (hg19) VCF-style: chr17-4802643-GGGAGCCCA-G.
Other names: short protein forms L354fs.
Identifiers: ClinVar variation 3608224 (VCV003608224.2).
Genomic context (GRCh38, chr17:4,899,348, plus strand): 5'-AGCCCACCGACGACGCCCGCCTTGGGGGCGAGGCGGCCCGGGGGGCCTCGGGCGGCGGCG[GGGAGCCCA>G]GGAGGCGCGGCAGCAGCTCCAGGAGAACCTGGGGCAGGGGCGGGGCTTAGGGGACGAGGT-3'